The following is an entry in ClinVar:

ClinVar aggregate classification (germline): Uncertain significance. Review status: criteria provided, multiple submitters, no conflicts (2 of 4 stars). 3 submissions from 3 submitters: Uncertain significance (3). Last evaluated 2022-07-18.

Conditions:
Neonatal-onset encephalopathy with rigidity and seizures. Also called: Lethal neonatal spasticity-epileptic encephalopathy syndrome. Identifiers: Orphanet 435845, MedGen C3281029, MONDO:0013784, OMIM 614498.
Inborn genetic diseases. Identifiers: MedGen C0950123, MeSH D030342.

Allele frequency attached by ClinVar (database versions not stated): gnomAD exomes 0.00001 and 0.00002; TOPMed 0.00001; ExAC 0.00005.
gnomAD v4.1: 12 of 1,594,662 alleles (0.00075%); highest among the groups gnomAD compares: Admixed American, 0.0035%; no homozygotes.

Submissions (3):

Labcorp Genetics (formerly Invitae), Labcorp
Classification: Uncertain significance for Neonatal-onset encephalopathy with rigidity and seizures. Last evaluated: 2022-07-18. Review status: criteria provided, single submitter. Criteria: Invitae Variant Classification Sherloc (09022015). Collection method: clinical testing. Allele origin: germline.
Comment: This sequence change replaces arginine, which is basic and polar, with cysteine, which is neutral and slightly polar, at codon 508 of the BRAT1 protein (p.Arg508Cys). This variant is present in population databases (rs751548415, gnomAD 0.006%). This variant has not been reported in the literature in individuals affected with BRAT1-related conditions. ClinVar contains an entry for this variant (Variation ID: 810054). Algorithms developed to predict the effect of missense changes on protein structure and function (SIFT, PolyPhen-2, Align-GVGD) all suggest that this variant is likely to be disruptive. In summary, the available evidence is currently insufficient to determine the role of this variant in disease. Therefore, it has been classified as a Variant of Uncertain Significance.

Ambry Genetics
Classification: Uncertain significance for Inborn genetic diseases. Last evaluated: 2021-03-01. Review status: criteria provided, single submitter. Criteria: Ambry Variant Classification Scheme 2023. Collection method: clinical testing. Allele origin: germline.
Comment: The c.1522C>T (p.R508C) alteration is located in exon 12 (coding exon 11) of the BRAT1 gene. This alteration results from a C to T substitution at nucleotide position 1522, causing the arginine (R) at amino acid position 508 to be replaced by a cysteine (C). The in silico prediction for the p.R508C alteration is inconclusive. Based on insufficient or conflicting evidence, the clinical significance of this alteration remains unclear.

CeGaT Center for Human Genetics Tuebingen
Classification: Uncertain significance. Last evaluated: 2018-10-01. Review status: criteria provided, single submitter. Criteria: CeGaT Center For Human Genetics Tuebingen Variant Classification Criteria Version 2. Collection method: clinical testing. Allele origin: germline. Affected: yes. Observed: 1 variant allele.

NM_152743.4(BRAT1):c.1522C>T (p.Arg508Cys)

Gene: BRAT1 (BRCA1 associated ATM activator 1; minus strand). Cytogenetic location: 7p22.3.
Variant type: single nucleotide variant.
Coding change: c.1522C>T on transcript NM_152743.4 (MANE Select); coding-DNA position 1522, C replaced by T.
Protein change: p.Arg508Cys; replaces arginine 508 with cysteine.
Molecular consequence: missense variant. On other transcripts: non-coding transcript variant (1).
Genome position (GRCh38, 1-based): chr7:2,539,619, G>A on the plus strand (C>T on the coding strand, the complement: BRAT1 is on the minus strand). VCF-style: chr7-2539619-G-A. GRCh37 (hg19) VCF-style: chr7-2579253-G-A.
Other names: c.1522C>T, p.Arg508Cys (NM_001350626.2); c.997C>T, p.Arg333Cys (NM_001350627.2); c.1522C>T (NM_152743.3); short protein forms R333C, R508C.
Identifiers: ClinVar variation 810054 (VCV000810054.44), dbSNP rs751548415, ClinGen allele CA4127700.